The following is an entry in ClinVar:

ClinVar aggregate classification (germline): Likely benign. Review status: criteria provided, multiple submitters, no conflicts (2 of 4 stars). 4 submissions from 4 submitters: Likely benign (4). Last evaluated 2024-10-28.

Conditions:
Long QT syndrome (LQTS). Identifiers: MedGen C0023976, MeSH D008133, MONDO:0002442. Disease mechanism: loss of function. Inheritance: Various modes of inheritance.
Cardiovascular phenotype. Identifiers: MedGen CN230736.
Cardiac arrhythmia. Also called: Arrhythmia; Cardiac rhythm disease. Identifiers: MedGen C0003811, MONDO:0007263, HP:0011675.

Allele frequency attached by ClinVar (database versions not stated): gnomAD exomes 0.00001; TOPMed 0.00001; ExAC 0.00002; gnomAD 0.00002 and 0.00003; ESP Exome Variant Server 0.00008.
gnomAD v4.1: 12 of 1,613,592 alleles (0.00074%); highest among the groups gnomAD compares: Middle Eastern, 0.033%; no homozygotes.

Submissions (4):

Labcorp Genetics (formerly Invitae), Labcorp
Classification: Likely benign for Long QT syndrome. Last evaluated: 2024-10-28. Review status: criteria provided, single submitter. Criteria: Invitae Variant Classification Sherloc (09022015). Collection method: clinical testing. Allele origin: germline.

All of Us Research Program, National Institutes of Health
Classification: Likely benign for Long QT syndrome. Last evaluated: 2023-08-15. Review status: criteria provided, single submitter. Criteria: ACMG Guidelines, 2015. Collection method: clinical testing. Allele origin: germline. Inheritance: Autosomal dominant inheritance. Observed: 2 variant alleles, 2 heterozygotes.
Comment: This study involves interpretation of variants in research participants for the purpose of population health screening. Participant phenotype was not available at the time of variant classification. Additional details can be found in publication PMID: 35346344, PMCID: PMC8962531

Color Diagnostics, LLC DBA Color Health
Classification: Likely benign for Cardiac arrhythmia. Last evaluated: 2022-11-06. Review status: criteria provided, single submitter. Criteria: ACMG Guidelines, 2015. Collection method: clinical testing. Allele origin: germline.

Ambry Genetics
Classification: Likely benign for Cardiovascular phenotype. Last evaluated: 2021-10-29. Review status: criteria provided, single submitter. Criteria: Ambry Variant Classification Scheme 2023. Collection method: clinical testing. Allele origin: germline.

NM_000238.4(KCNH2):c.2625G>A (p.Thr875=)

Gene: KCNH2 (potassium voltage-gated channel subfamily H member 2; minus strand). Cytogenetic location: 7q36.1.
Variant type: single nucleotide variant.
Coding change: c.2625G>A on transcript NM_000238.4 (MANE Select); coding-DNA position 2625, G replaced by A.
Protein change: p.Thr875=; no amino-acid change (threonine 875 retained).
Molecular consequence: synonymous variant.
Genome position (GRCh38, 1-based): chr7:150,948,511, C>T on the plus strand (G>A on the coding strand, the complement: KCNH2 is on the minus strand). VCF-style: chr7-150948511-C-T. GRCh37 (hg19) VCF-style: chr7-150645599-C-T.
Other names: c.1605G>A, p.Thr535= (NM_172057.3).
Identifiers: ClinVar variation 1090012 (VCV001090012.13), dbSNP rs147980211, ClinGen allele CA033558.
Genomic context (GRCh38, chr7:150,948,511, plus strand): 5'-CGTGCGCCTGCGGAAGGACAACTTGCGCTTGCGTTGCCGACTGAAGCCACCCTCTAACTC[C>T]GTACTGCCGGGGGAGCCCGGGATCATGTTGGTCTGGAACCAAAATCAGTATCAGGGCCCT-3'
Protein context (NP_000229.1, residues 865-885): TNMIPGSPGS[Thr875=]ELEGGFSRQR